The following is an entry in ClinVar:

ClinVar aggregate classification (germline): Uncertain significance (1 of 4 stars; one submission).

Allele frequency attached by ClinVar (database versions not stated): gnomAD exomes below 0.00001 and 0.00001.
gnomAD v4.1: 5 of 1,613,802 alleles (0.00031%); highest among the groups gnomAD compares: South Asian, 0.0011%; no homozygotes.

Submission:

GeneDx
Classification: Uncertain significance. Last evaluated: 2023-12-11. Review status: criteria provided, single submitter. Criteria: GeneDx Variant Classification Process June 2021. Collection method: clinical testing. Allele origin: germline. Affected: yes.
Comment: Not observed at significant frequency in large population cohorts (gnomAD); Missense variant in a gene in which most reported pathogenic variants are truncating/loss of function; Has not been previously published as pathogenic or benign to our knowledge

NM_001267550.2(TTN):c.31970C>T (p.Pro10657Leu)

Gene: TTN (titin; minus strand). Cytogenetic location: 2q31.2.
Variant type: single nucleotide variant.
Coding change: c.31970C>T on transcript NM_001267550.2 (MANE Select); coding-DNA position 31970, C replaced by T.
Protein change: p.Pro10657Leu; replaces proline 10657 with leucine.
Molecular consequence: missense variant. On other transcripts: intron variant (3).
Genome position (GRCh38, 1-based): chr2:178,689,331, G>A on the plus strand (C>T on the coding strand, the complement: TTN is on the minus strand). VCF-style: chr2-178689331-G-A. GRCh37 (hg19) VCF-style: chr2-179554058-G-A.
Other names: c.31019C>T, p.Pro10340Leu (NM_001256850.1); c.28238C>T, p.Pro9413Leu (NM_133378.4); c.13283-47014C>T (NM_003319.4); c.13859-47014C>T (NM_133437.4); c.13658-47014C>T (NM_133432.3); c.31970C>T (NM_001267550.1); short protein forms P10657L, P10340L, P9413L.
Identifiers: ClinVar variation 668232 (VCV000668232.2), dbSNP rs1346182594, ClinGen allele CA349554973.